The following is an entry in ClinVar:

ClinVar aggregate classification (germline): Uncertain significance (1 of 4 stars; one submission).

Allele frequency attached by ClinVar (database versions not stated): gnomAD exomes below 0.00001; TOPMed below 0.00001.
gnomAD v4.1: 1 of 1,614,104 alleles (0.000062%); highest among the groups gnomAD compares: South Asian, 0.0011%; no homozygotes.

Submission:

Labcorp Genetics (formerly Invitae), Labcorp
Classification: Uncertain significance. Last evaluated: 2021-04-27. Review status: criteria provided, single submitter. Criteria: Invitae Variant Classification Sherloc (09022015). Collection method: clinical testing. Allele origin: germline.
Comment: In summary, the available evidence is currently insufficient to determine the role of this variant in disease. Therefore, it has been classified as a Variant of Uncertain Significance. Nucleotide substitutions within the consensus splice site are a relatively common cause of aberrant splicing (PMID: 17576681, 9536098). Algorithms developed to predict the effect of sequence changes on RNA splicing suggest that this variant is not likely to affect RNA splicing, but this prediction has not been confirmed by published transcriptional studies. This variant has not been reported in the literature in individuals with MYH7B-related conditions. This variant is not present in population databases (ExAC no frequency). This sequence change falls in intron 20 of the MYH7B gene. It does not directly change the encoded amino acid sequence of the MYH7B protein. It affects a nucleotide within the consensus splice site of the intron.

Literature cited by the submitters: PubMed 17576681; PubMed 9536098.

NM_020884.7(MYH7B):c.1768-3C>T

Gene: MYH7B (myosin heavy chain 7B; plus strand). Cytogenetic location: 20q11.22.
Variant type: single nucleotide variant.
Coding change: c.1768-3C>T on transcript NM_020884.7 (MANE Select); 3 bases into the intron before coding-DNA position 1768, C replaced by T.
Molecular consequence: intron variant.
Genome position (GRCh38, 1-based): chr20:34,990,011, C>T. VCF-style: chr20-34990011-C-T. GRCh37 (hg19) VCF-style: chr20-33577814-C-T.
Identifiers: ClinVar variation 1349679 (VCV001349679.6), dbSNP rs2082112339, ClinGen allele CA2361448518.